The following is an entry in ClinVar:

ClinVar aggregate classification (germline): Uncertain significance (1 of 4 stars; one submission).

Conditions:
Hereditary spastic paraplegia 49 (HSAN9). Also called: TECPR2-Related Hereditary Sensory and Autonomic Neuropathy with Intellectual Disability; NEUROPATHY, HEREDITARY SENSORY AND AUTONOMIC, TYPE IX, WITH DEVELOPMENTAL DELAY; Spastic paraplegia 49, autosomal recessive. Identifiers: Orphanet 320385, MedGen C5190860, MONDO:0014016, OMIM 615031.

Allele frequency attached by ClinVar (database versions not stated): gnomAD exomes below 0.00001; TOPMed below 0.00001; ExAC 0.00001; gnomAD 0.00001.
gnomAD v4.1: 3 of 1,612,760 alleles (0.00019%); highest among the groups gnomAD compares: African/African-American, 0.0013%; no homozygotes.

Submission:

Labcorp Genetics (formerly Invitae), Labcorp
Classification: Uncertain significance for Hereditary spastic paraplegia 49. Last evaluated: 2022-08-09. Review status: criteria provided, single submitter. Criteria: Invitae Variant Classification Sherloc (09022015). Collection method: clinical testing. Allele origin: germline.
Comment: This sequence change replaces glycine, which is neutral and non-polar, with aspartic acid, which is acidic and polar, at codon 434 of the TECPR2 protein (p.Gly434Asp). The frequency data for this variant in the population databases is considered unreliable, as metrics indicate poor data quality at this position in the gnomAD database. This variant has not been reported in the literature in individuals affected with TECPR2-related conditions. Algorithms developed to predict the effect of missense changes on protein structure and function output the following: SIFT: "Tolerated"; PolyPhen-2: "Benign"; Align-GVGD: "Class C0". The aspartic acid amino acid residue is found in multiple mammalian species, which suggests that this missense change does not adversely affect protein function. In summary, the available evidence is currently insufficient to determine the role of this variant in disease. Therefore, it has been classified as a Variant of Uncertain Significance.

NM_014844.5(TECPR2):c.1301G>A (p.Gly434Asp)

Gene: TECPR2 (tectonin beta-propeller repeat containing 2; plus strand). Cytogenetic location: 14q32.31.
Variant type: single nucleotide variant.
Coding change: c.1301G>A on transcript NM_014844.5 (MANE Select); coding-DNA position 1301, G replaced by A.
Protein change: p.Gly434Asp; replaces glycine 434 with aspartic acid.
Molecular consequence: missense variant.
Genome position (GRCh38, 1-based): chr14:102,432,012, G>A. VCF-style: chr14-102432012-G-A. GRCh37 (hg19) VCF-style: chr14-102898349-G-A.
Other names: c.1301G>A, p.Gly434Asp (NM_001172631.3); short protein forms G434D.
Identifiers: ClinVar variation 1904811 (VCV001904811.2), dbSNP rs750558246, ClinGen allele CA7357689.